The following is an entry in ClinVar:

ClinVar aggregate classification (germline): Uncertain significance (1 of 4 stars; one submission).

Submission:

Dasa
Classification: Uncertain significance. Last evaluated: 2025-11-27. Review status: criteria provided, single submitter. Criteria: DASA Assertion Criteria. Collection method: clinical testing. Allele origin: germline.
Comment: NM_004171.4(SLC1A2):c.310+1061T>G is an intronic variant. This variant is absent from population databases. The currently available literature and clinical evidence are not sufficient to establish a definitive association between this variant and the reported condition. Therefore, this variant is classified as a variant of uncertain significance.

NM_004171.4(SLC1A2):c.310+1061T>G

Gene: SLC1A2 (solute carrier family 1 member 2; minus strand). Cytogenetic location: 11p13.
Variant type: single nucleotide variant.
Coding change: c.310+1061T>G on transcript NM_004171.4 (MANE Select); 1061 bases into the intron after coding-DNA position 310, T replaced by G.
Molecular consequence: intron variant.
Genome position (GRCh38, 1-based): chr11:35,313,962, A>C on the plus strand (T>G on the coding strand, the complement: SLC1A2 is on the minus strand). VCF-style: chr11-35313962-A-C. GRCh37 (hg19) VCF-style: chr11-35335509-A-C.
Other names: c.298+1061T>G (NM_001439342.1); c.283+1061T>G (NM_001195728.3, NM_001439341.1, NM_001252652.2); c.310+1061T>G (NM_001439343.1).
Identifiers: ClinVar variation 4885644 (VCV004885644.2).
Genomic context (GRCh38, chr11:35,313,962, plus strand): 5'-GCCTCACTCACTTCTTTCATGAGGTGGCCAGTCCAGGGGAACAACTTCTCCAGATCACTT[A>C]GCTGGCTGGTACCCAAATATGGACCAAAGCTCAGCTTCCTGCCCTTAACTCAGAGTTTAG-3'